The following is an entry in ClinVar:

NM_014254.3(RXYLT1):c.389G>A (p.Trp130Ter)

Gene: RXYLT1 (ribitol xylosyltransferase 1; plus strand). Cytogenetic location: 12q14.2.
Variant type: single nucleotide variant.
Coding change: c.389G>A on transcript NM_014254.3 (MANE Select); coding-DNA position 389, G replaced by A.
Protein change: p.Trp130Ter; replaces tryptophan 130 with a stop codon.
Molecular consequence: nonsense. On other transcripts: 5 prime UTR variant (1).
Genome position (GRCh38, 1-based): chr12:63,785,033, G>A. VCF-style: chr12-63785033-G-A. GRCh37 (hg19) VCF-style: chr12-64178813-G-A.
Other names: c.-392G>A (NM_001278237.2); short protein forms W130*.
Identifiers: ClinVar variation 2780252 (VCV002780252.4), dbSNP rs2500486724, ClinGen allele CA385584587.
Genomic context (GRCh38, chr12:63,785,033, plus strand): 5'-TGTATCTCTGGGAGCATATTTTTGAAGGCTTACTTGATCCCAGCGATGTGACTGCTCAAT[G>A]GAGAGAAGGAAAGTCAATCGTAGGAAGAACACAGTACAGGTATTGGTTGTATTAGTTGTG-3'

ClinVar aggregate classification (germline): Pathogenic/Likely pathogenic. Review status: criteria provided, multiple submitters, no conflicts (2 of 4 stars). 2 submissions from 2 submitters: Pathogenic (1); Likely pathogenic (1). Last evaluated 2024-06-04.

Conditions:
Muscular dystrophy-dystroglycanopathy (congenital with brain and eye anomalies), type a, 10 (MDDGA10). Also called: WALKER-WARBURG SYNDROME OR MUSCLE-EYE-BRAIN DISEASE, TMEM5-RELATED. Identifiers: Orphanet 899, MedGen C3554381, MONDO:0014022, OMIM 615041.

Submissions (2):

Revvity Omics, Revvity
Classification: Likely pathogenic for Muscular dystrophy-dystroglycanopathy (congenital with brain and eye anomalies), type a, 10. Last evaluated: 2024-06-04. Review status: criteria provided, single submitter. Criteria: ACMG Guidelines, 2015. Collection method: clinical testing. Allele origin: germline.

Labcorp Genetics (formerly Invitae), Labcorp
Classification: Pathogenic. Last evaluated: 2023-12-14. Review status: criteria provided, single submitter. Criteria: Invitae Variant Classification Sherloc (09022015). Collection method: clinical testing. Allele origin: germline.
Comment: This sequence change creates a premature translational stop signal (p.Trp130*) in the RXYLT1 gene. It is expected to result in an absent or disrupted protein product. Loss-of-function variants in RXYLT1 are known to be pathogenic (PMID: 23217329, 23519211, 31742715). This variant is not present in population databases (gnomAD no frequency). This premature translational stop signal has been observed in individual(s) with Walker-Warburg syndrome (PMID: 33199158). Algorithms developed to predict the effect of sequence changes on RNA splicing suggest that this variant may disrupt the consensus splice site. For these reasons, this variant has been classified as Pathogenic.

Literature cited by the submitters: PubMed 23217329 (cited by Labcorp Genetics (formerly Invitae), Labcorp); PubMed 23519211 (cited by Labcorp Genetics (formerly Invitae), Labcorp); PubMed 31742715 (cited by Labcorp Genetics (formerly Invitae), Labcorp); PubMed 33199158 (cited by Labcorp Genetics (formerly Invitae), Labcorp).